The following is an entry in ClinVar:

NM_014423.4(AFF4):c.850A>G (p.Met284Val)

Gene: AFF4 (ALF transcription elongation factor 4; minus strand). Cytogenetic location: 5q31.1.
Variant type: single nucleotide variant.
Coding change: c.850A>G on transcript NM_014423.4 (MANE Select); coding-DNA position 850, A replaced by G.
Protein change: p.Met284Val; replaces methionine 284 with valine.
Molecular consequence: missense variant.
Genome position (GRCh38, 1-based): chr5:132,934,215, T>C on the plus strand (A>G on the coding strand, the complement: AFF4 is on the minus strand). VCF-style: chr5-132934215-T-C. GRCh37 (hg19) VCF-style: chr5-132269907-T-C.
Other names: c.850A>G (NM_014423.3); short protein forms M284V.
Identifiers: ClinVar variation 2195168 (VCV002195168.5), dbSNP rs2532574656, ClinGen allele CA360957548.

ClinVar aggregate classification (germline): Uncertain significance. Review status: criteria provided, single submitter (1 of 4 stars). 2 submissions from 2 submitters: Uncertain significance (1). 1 of the submissions does not count toward it. Last evaluated 2022-05-31.

Conditions:
AFF4-related disorder. Also called: AFF4-related condition.
Cognitive impairment - coarse facies - heart defects - obesity - pulmonary involvement - short stature - skeletal dysplasia syndrome. Also called: COGNITIVE IMPAIRMENT, COARSE FACIES, HEART DEFECTS, OBESITY, PULMONARY INVOLVEMENT, SHORT STATURE, AND SKELETAL DYSPLASIA; Chops syndrome; AFF4-Related CHOPS Syndrome. Identifiers: Orphanet 444077, MedGen C4085597, MONDO:0014609, OMIM 616368.

Submissions (2):

Labcorp Genetics (formerly Invitae), Labcorp
Classification: Uncertain significance for Cognitive impairment - coarse facies - heart defects - obesity - pulmonary involvement - short stature - skeletal dysplasia syndrome. Last evaluated: 2022-05-31. Review status: criteria provided, single submitter. Criteria: Invitae Variant Classification Sherloc (09022015). Collection method: clinical testing. Allele origin: germline.
Comment: This sequence change replaces methionine, which is neutral and non-polar, with valine, which is neutral and non-polar, at codon 284 of the AFF4 protein (p.Met284Val). This variant is not present in population databases (gnomAD no frequency). This variant has not been reported in the literature in individuals affected with AFF4-related conditions. Algorithms developed to predict the effect of missense changes on protein structure and function (SIFT, PolyPhen-2, Align-GVGD) all suggest that this variant is likely to be tolerated. In summary, the available evidence is currently insufficient to determine the role of this variant in disease. Therefore, it has been classified as a Variant of Uncertain Significance.

PreventionGenetics, part of Exact Sciences
Classification: Uncertain significance for AFF4-related condition. Last evaluated: 2024-09-20. Review status: no assertion criteria provided. Collection method: clinical testing. Allele origin: germline. Not counted in ClinVar's aggregate classification.
Comment: The AFF4 c.850A>G variant is predicted to result in the amino acid substitution p.Met284Val. To our knowledge, this variant has not been reported in the literature or in gnomAD, indicating this variant is rare. At this time, the clinical significance of this variant is uncertain due to the absence of conclusive functional and genetic evidence.